The following is an entry in ClinVar:

NM_004260.4(RECQL4):c.2529G>T (p.Lys843Asn)

Gene: RECQL4 (RecQ like helicase 4; minus strand). Cytogenetic location: 8q24.3.
Variant type: single nucleotide variant.
Coding change: c.2529G>T on transcript NM_004260.4 (MANE Select); coding-DNA position 2529, G replaced by T.
Protein change: p.Lys843Asn; replaces lysine 843 with asparagine.
Molecular consequence: missense variant.
Genome position (GRCh38, 1-based): chr8:144,513,073, C>A on the plus strand (G>T on the coding strand, the complement: RECQL4 is on the minus strand). VCF-style: chr8-144513073-C-A. GRCh37 (hg19) VCF-style: chr8-145738456-C-A.
Other names: short protein forms K843N.
Identifiers: ClinVar variation 657846 (VCV000657846.5), dbSNP rs1554897835, ClinGen allele CA372677153.

ClinVar aggregate classification (germline): Uncertain significance (1 of 4 stars; one submission).

Conditions:
Baller-Gerold syndrome (BGS). Also called: CRANIOSYNOSTOSIS WITH RADIAL DEFECTS. Identifiers: Orphanet 1225, MedGen C0265308, MONDO:0009039, OMIM 218600.

Submission:

Labcorp Genetics (formerly Invitae), Labcorp
Classification: Uncertain significance for Baller-Gerold syndrome. Last evaluated: 2022-02-19. Review status: criteria provided, single submitter. Criteria: Invitae Variant Classification Sherloc (09022015). Collection method: clinical testing. Allele origin: germline.
Comment: In summary, the available evidence is currently insufficient to determine the role of this variant in disease. Therefore, it has been classified as a Variant of Uncertain Significance. ClinVar contains an entry for this variant (Variation ID: 657846). This variant has not been reported in the literature in individuals affected with RECQL4-related conditions. This variant is not present in population databases (gnomAD no frequency). This sequence change replaces lysine, which is basic and polar, with asparagine, which is neutral and polar, at codon 843 of the RECQL4 protein (p.Lys843Asn).